The following is an entry in ClinVar:

NM_003172.4(SURF1):c.65del (p.Ser22fs)

Genes: SURF1 (SURF1 cytochrome c oxidase assembly factor; minus strand), LOC130002899 (ATAC-STARR-seq lymphoblastoid silent region 20452; plus strand). Cytogenetic location: 9q34.2.
Variant type: Deletion.
Coding change: c.65del on transcript NM_003172.4 (MANE Select); coding-DNA position 65, one base deleted (G; older notation c.65delG).
Protein change: p.Ser22fs; shifts the reading frame from serine 22.
Molecular consequence: frameshift variant. On other transcripts: intron variant (1).
Genome position (GRCh38, 1-based): chr9:133,356,310, C deleted on the plus strand (G on the coding strand, the reverse complement: SURF1 is on the minus strand). VCF-style (leftmost placement, unchanged base first): chr9-133356309-GC-G. GRCh37 (hg19) VCF-style: chr9-136223164-GC-G.
Other names: c.-222+90del (NM_001280787.1); short protein forms S22fs.
Identifiers: ClinVar variation 2413158 (VCV002413158.9), dbSNP rs2490627975, ClinGen allele CA2580079961.

ClinVar aggregate classification (germline): Pathogenic/Likely pathogenic. Review status: criteria provided, multiple submitters, no conflicts (2 of 4 stars). 2 submissions from 2 submitters: Pathogenic (1); Likely pathogenic (1). Last evaluated 2023-06-26.

Conditions:
Mitochondrial complex IV deficiency, nuclear type 1 (MC4DN1). Also called: Mitochondrial complex IV deficiency; Complex 4 mitochondrial respiratory chain deficiency; Deficiency of mitochondrial respiratory chain complex4; Complex IV deficiency; COX DEFICIENCY. Identifiers: MedGen C5435656, MONDO:0700250, OMIM 220110. Disease mechanism: loss of function.
Leigh syndrome (NULS). Also called: Subacute necrotizing encephalopathy; Necrotizing encephalopathy infantile subacute of Leigh; Leigh Syndrome (mtDNA deletion); LEIGH SYNDROME, NUCLEAR; Leigh's necrotizing encephalopathy; Leigh's disease. Identifiers: Orphanet 506, MedGen C2931891, MONDO:0009723, OMIM 256000.

Submissions (2):

Labcorp Genetics (formerly Invitae), Labcorp
Classification: Pathogenic for Leigh syndrome. Last evaluated: 2023-06-26. Review status: criteria provided, single submitter. Criteria: Invitae Variant Classification Sherloc (09022015). Collection method: clinical testing. Allele origin: germline.
Comment: This sequence change creates a premature translational stop signal (p.Ser22Thrfs*50) in the SURF1 gene. It is expected to result in an absent or disrupted protein product. Loss-of-function variants in SURF1 are known to be pathogenic (PMID: 10443880, 22488715, 24027061). This variant is not present in population databases (gnomAD no frequency). For these reasons, this variant has been classified as Pathogenic. ClinVar contains an entry for this variant (Variation ID: 2413158). This variant has not been reported in the literature in individuals affected with SURF1-related conditions.

Laboratory of Inherited Metabolic Diseases, Research centre for medical genetics
Classification: Likely pathogenic for Mitochondrial complex IV deficiency, nuclear type 1. Last evaluated: 2023-01-31. Review status: criteria provided, single submitter. Criteria: ACMG Guidelines, 2015. Collection method: clinical testing. Allele origin: biparental. Inheritance: Autosomal recessive inheritance. Affected: yes. Observed: 1 variant allele.

Literature cited by the submitters: PubMed 10443880 (cited by Labcorp Genetics (formerly Invitae), Labcorp); PubMed 22488715 (cited by Labcorp Genetics (formerly Invitae), Labcorp); PubMed 24027061 (cited by Labcorp Genetics (formerly Invitae), Labcorp).